The following is an entry in ClinVar:

ClinVar aggregate classification (germline): Conflicting classifications of pathogenicity. Review status: criteria provided, conflicting classifications (1 of 4 stars). 2 submissions from 2 submitters: Uncertain significance (1); Likely benign (1). Last evaluated 2023-06-16.

Conditions:
Inborn genetic diseases. Identifiers: MedGen C0950123, MeSH D030342.

Allele frequency attached by ClinVar (database versions not stated): ESP Exome Variant Server 0.00008.
gnomAD v4.1: 42 of 1,614,112 alleles (0.0026%); highest among the groups gnomAD compares: Non-Finnish European, 0.0031%; no homozygotes.

Submissions (2):

Ambry Genetics
Classification: Likely benign for Inborn genetic diseases. Last evaluated: 2023-06-16. Review status: criteria provided, single submitter. Criteria: Ambry Variant Classification Scheme 2023. Collection method: clinical testing. Allele origin: germline.

GeneDx
Classification: Uncertain significance. Last evaluated: 2019-05-20. Review status: criteria provided, single submitter. Criteria: GeneDx Variant Classification Process June 2021. Collection method: clinical testing. Allele origin: germline. Affected: yes.
Comment: Not observed at a significant frequency in large population cohorts (Lek et al., 2016); In silico analysis, which includes protein predictors and evolutionary conservation, supports that this variant does not alter protein structure/function; Has not been previously published as pathogenic or benign to our knowledge

NM_001083961.2(WDR62):c.3247G>C (p.Val1083Leu)

Gene: WDR62 (WD repeat domain 62; plus strand). Cytogenetic location: 19q13.12.
Variant type: single nucleotide variant.
Coding change: c.3247G>C on transcript NM_001083961.2 (MANE Select); coding-DNA position 3247, G replaced by C.
Protein change: p.Val1083Leu; replaces valine 1083 with leucine.
Molecular consequence: missense variant.
Genome position (GRCh38, 1-based): chr19:36,102,763, G>C. VCF-style: chr19-36102763-G-C. GRCh37 (hg19) VCF-style: chr19-36593665-G-C.
Other names: c.3232G>C, p.Val1078Leu (NM_173636.5); short protein forms V1078L, V1083L.
Identifiers: ClinVar variation 1305938 (VCV001305938.4), dbSNP rs375274868, ClinGen allele CA9396228.